The following is an entry in ClinVar:

NM_000503.6(EYA1):c.1650G>A (p.Val550=)

Gene: EYA1 (EYA transcriptional coactivator and phosphatase 1; minus strand). Cytogenetic location: 8q13.3.
Variant type: single nucleotide variant.
Coding change: c.1650G>A on transcript NM_000503.6 (MANE Select); coding-DNA position 1650, G replaced by A.
Protein change: p.Val550=; no amino-acid change (valine 550 retained).
Molecular consequence: synonymous variant.
Genome position (GRCh38, 1-based): chr8:71,211,204, C>T on the plus strand (G>A on the coding strand, the complement: EYA1 is on the minus strand). VCF-style: chr8-71211204-C-T. GRCh37 (hg19) VCF-style: chr8-72123439-C-T.
Other names: c.1632G>A, p.Val544= (NM_001288574.2, NM_172059.5); c.1284G>A, p.Val428= (NM_001288575.2); c.1737G>A, p.Val579= (NM_001370333.1); c.1650G>A, p.Val550= (NM_001370334.1, NM_001370335.1, NM_172058.4); c.1629G>A, p.Val543= (NM_001370336.1); c.1650G>A (NM_172058.3).
Identifiers: ClinVar variation 730086 (VCV000730086.5), dbSNP rs368320173, ClinGen allele CA179207096.

ClinVar aggregate classification (germline): Likely benign. Review status: criteria provided, multiple submitters, no conflicts (2 of 4 stars). 3 submissions from 3 submitters: Likely benign (3). Last evaluated 2026-02-25.

Conditions:
EYA1-related disorder. Also called: EYA1-related condition.

Allele frequency attached by ClinVar (database versions not stated): gnomAD exomes below 0.00001 and 0.00001; TOPMed 0.00001.
gnomAD v4.1: 13 of 1,613,740 alleles (0.00081%); highest among the groups gnomAD compares: East Asian, 0.0067%; no homozygotes.

Submissions (3):

PreventionGenetics, part of Exact Sciences
Classification: Likely benign for EYA1-related condition. Last evaluated: 2026-02-25. Review status: criteria provided, single submitter. Criteria: ACMG Guidelines, 2015. Collection method: clinical testing. Allele origin: germline.
Comment: This variant is classified as likely benign based on ACMG/AMP sequence variant interpretation guidelines (Richards et al. 2015 PMID: 25741868, with internal and published modifications).

Blueprint Genetics
Classification: Likely benign. Last evaluated: 2023-11-29. Review status: criteria provided, single submitter. Criteria: ACMG Guidelines, 2015. Collection method: clinical testing. Allele origin: germline.

Labcorp Genetics (formerly Invitae), Labcorp
Classification: Likely benign. Last evaluated: 2017-12-15. Review status: criteria provided, single submitter. Criteria: Invitae Variant Classification Sherloc (09022015). Collection method: clinical testing. Allele origin: germline.